The following is an entry in ClinVar:

ClinVar aggregate classification (germline): Conflicting classifications of pathogenicity. Review status: criteria provided, conflicting classifications (1 of 4 stars). 2 submissions from 2 submitters: Uncertain significance (1); Likely benign (1). Last evaluated 2026-06-28.

Conditions:
Primary ciliary dyskinesia. Also called: Ciliary dyskinesia. Identifiers: Orphanet 244, MedGen C0008780, MONDO:0016575, HP:0012265.
DNAH5-related disorder. Also called: DNAH5-related condition.

Allele frequency attached by ClinVar (database versions not stated): gnomAD 0.00003; TOPMed 0.00004; gnomAD exomes below 0.00001; ExAC 0.00002; ESP Exome Variant Server 0.00008.
gnomAD v4.1: 5 of 1,612,698 alleles (0.00031%); highest among the groups gnomAD compares: African/African-American, 0.0067%; no homozygotes.

Submissions (2):

PreventionGenetics, part of Exact Sciences
Classification: Uncertain significance for DNAH5-related condition. Last evaluated: 2026-06-28. Review status: criteria provided, single submitter. Criteria: ACMG Guidelines, 2015. Collection method: clinical testing. Allele origin: germline.
Comment: The DNAH5 c.1207C>A variant is predicted to result in the amino acid substitution p.Gln403Lys. To our knowledge, this variant has not been reported in the literature. This variant is reported in 0.012% of alleles in individuals of African descent in gnomAD. At this time, the clinical significance of this variant is uncertain due to the absence of conclusive functional and genetic evidence.

Labcorp Genetics (formerly Invitae), Labcorp
Classification: Likely benign for Primary ciliary dyskinesia. Last evaluated: 2025-11-26. Review status: criteria provided, single submitter. Criteria: Invitae Variant Classification Sherloc (09022015). Collection method: clinical testing. Allele origin: germline.

NM_001369.3(DNAH5):c.1207C>A (p.Gln403Lys)

Gene: DNAH5 (dynein axonemal heavy chain 5; minus strand). Cytogenetic location: 5p15.2.
Variant type: single nucleotide variant.
Coding change: c.1207C>A on transcript NM_001369.3 (MANE Select); coding-DNA position 1207, C replaced by A.
Protein change: p.Gln403Lys; replaces glutamine 403 with lysine.
Molecular consequence: missense variant.
Genome position (GRCh38, 1-based): chr5:13,914,633, G>T on the plus strand (C>A on the coding strand, the complement: DNAH5 is on the minus strand). VCF-style: chr5-13914633-G-T. GRCh37 (hg19) VCF-style: chr5-13914742-G-T.
Other names: c.1207C>A (NM_001369.2); short protein forms Q403K.
Identifiers: ClinVar variation 2987968 (VCV002987968.4), dbSNP rs146886532, ClinGen allele CA3204912.